The following is an entry in ClinVar:

ClinVar aggregate classification (germline): Uncertain significance (1 of 4 stars; one submission).

Submission:

GeneDx
Classification: Uncertain significance. Last evaluated: 2024-09-10. Review status: criteria provided, single submitter. Criteria: GeneDx Variant Classification Process June 2021. Collection method: clinical testing. Allele origin: germline. Affected: yes.
Comment: Not observed at significant frequency in large population cohorts (gnomAD); In silico analysis supports that this missense variant has a deleterious effect on protein structure/function; Has not been previously published as pathogenic or benign to our knowledge

NM_005676.5(RBM10):c.2461C>T (p.Arg821Cys)

Gene: RBM10 (RNA binding motif protein 10; plus strand). Cytogenetic location: Xp11.3.
Variant type: single nucleotide variant.
Coding change: c.2461C>T on transcript NM_005676.5 (MANE Select); coding-DNA position 2461, C replaced by T.
Protein change: p.Arg821Cys; replaces arginine 821 with cysteine.
Molecular consequence: missense variant.
Genome position (GRCh38, 1-based): chrX:47,186,095, C>T. VCF-style: chrX-47186095-C-T. GRCh37 (hg19) VCF-style: chrX-47045494-C-T.
Other names: c.2230C>T, p.Arg744Cys (NM_001204466.2); c.2458C>T, p.Arg820Cys (NM_001204467.2); c.2656C>T, p.Arg886Cys (NM_001204468.2); c.2227C>T, p.Arg743Cys (NM_152856.3); short protein forms R743C, R744C, R820C, R821C, R886C.
Identifiers: ClinVar variation 3767482 (VCV003767482.1).